The following is an entry in ClinVar:

NM_001323289.2(CDKL5):c.283-3_290del

Gene: CDKL5 (cyclin dependent kinase like 5; plus strand). Cytogenetic location: Xp22.13.
Variant type: Deletion.
Coding change: c.283-3_290del on transcript NM_001323289.2 (MANE Select); 3 bases into the intron before coding-DNA position 283 through coding-DNA position 290, 11 bases deleted (TAGAATATGCT).
Molecular consequence: splice acceptor variant.
Genome position (GRCh38, 1-based): chrX:18,579,845-18,579,855, TAGAATATGCT deleted; deleting any 11 consecutive bases within chrX:18,579,844-18,579,855 gives the same sequence; the c. name uses the placement nearest the transcript's 3' end. VCF-style (leftmost placement, unchanged base first): chrX-18579843-TTTAGAATATGC-T. GRCh37 (hg19) VCF-style: chrX-18597963-TTTAGAATATGC-T.
Other names: c.283-3_290del (NM_003159.3, NM_001037343.2); c.283-3_290del11 (NM_003159.2).
Identifiers: ClinVar variation 189585 (VCV000189585.3), dbSNP rs786204983, ClinGen allele CA199397.
Genomic context (GRCh38, chrX:18,579,843, plus strand): 5'-AATTGTTAATACATAATTTACGGGCCTACCTAATTTGGGAAATAATGACTCTATTTAATT[TTTAGAATATGC>T]TCGAATTGCTGGAAGAAATGCCAAATGGAGTTCCACCTGAGAAAGTAAAAAGCTACATCT-3'

ClinVar aggregate classification (germline): Pathogenic. Review status: criteria provided, single submitter (1 of 4 stars). 3 submissions from 2 submitters: Pathogenic (1). 2 of the submissions do not count toward it. Last evaluated 2024-09-18.

Conditions:
CDKL5 disorder. Identifiers: MedGen CN296942, MONDO:0100039.
Atypical Rett syndrome. Also called: Rett like syndrome; Variant Rett Syndrome. Identifiers: Orphanet 3095, MedGen C2748910, MONDO:0017746.
Developmental and epileptic encephalopathy, 2 (DEE2). Also called: INFANTILE SPASM SYNDROME, X-LINKED 2; CDKL5 deficiency disorder. Identifiers: Orphanet 1934, Orphanet 3451, Orphanet 505652, MedGen C4750718, MONDO:0010396, OMIM 300672.

Submissions (3):

Centre for Population Genomics, CPG
Classification: Pathogenic for CDKL5 disorder. Last evaluated: 2024-09-18. Review status: criteria provided, single submitter. Criteria: McKnight et al. (Hum Mutat. 2022). Collection method: curation. Allele origin: germline. Inheritance: X-linked inheritance.
Comment: This variant has been collected from RettBASE and curated to current modified ACMG/AMP criteria. Based on the classification scheme defined by the ClinGen Rett/Angelman-like Expert Panel for Rett/AS-like Disorders Specifications to the ACMG/AMP Variant Interpretation Guidelines VCEP 3.0, this variant is classified as pathogenic. At least the following criteria are met: Predicted to result in loss of function, and LOF is a known mechanism of disease (PVS1). Has been observed in at least 2 individuals with phenotypes consistent with CDKL5 disorder (PS4_Supporting). PMID: 23151060 PMID: 21765152 This variant is absent from gnomAD v4 (PM2_Supporting).

RettBASE
Classification: Pathogenic for Epileptic encephalopathy, early infantile, 2. Last evaluated: 2014-03-13. Review status: no assertion criteria provided. Collection method: curation. Allele origin: de novo. Affected: yes. Observed: 1 variant allele. Not counted in ClinVar's aggregate classification.
Comment: Hagebeuk et al 2013 showed that deletion affects splice site of exon 6, leading of exon 6 skipping in the mRNA and the shift in reading frame causes a truncated protein product

RettBASE
Classification: Pathogenic for Atypical Rett syndrome. Last evaluated: 2014-03-13. Review status: no assertion criteria provided. Collection method: curation. Allele origin: unknown. Affected: yes. Observed: 1 variant allele. Not counted in ClinVar's aggregate classification.
Comment: the same text as in the submission from RettBASE above.

Literature cited by the submitters: PubMed 21765152 (cited by RettBASE); PubMed 23151060 (cited by RettBASE).